The following is an entry in ClinVar:

ClinVar aggregate classification (germline): Benign (1 of 4 stars; one submission).

Conditions:
Hereditary spastic paraplegia 33. Also called: SPASTIC PARAPLEGIA 33, AUTOSOMAL DOMINANT. Identifiers: MedGen C1853251, MONDO:0012448, OMIM 610244.

Allele frequency attached by ClinVar (database versions not stated): gnomAD exomes 0.00023 and 0.00044; gnomAD 0.00001 and 0.00012; TOPMed 0.00004; ExAC 0.00065; 1000 Genomes Project 30x 0.00094; 1000 Genomes Project 0.00100.
gnomAD v4.1: 347 of 1,612,714 alleles (0.022%); highest among the groups gnomAD compares: South Asian, 0.36%; 1 homozygote.

Submission:

Illumina Laboratory Services, Illumina
Classification: Benign for Hereditary spastic paraplegia 33. Last evaluated: 2018-01-12. Review status: criteria provided, single submitter. Criteria: ICSL Variant Classification Criteria 13 December 2019. Collection method: clinical testing. Allele origin: germline.
Comment: This variant was observed in the ICSL laboratory as part of a predisposition screen in an ostensibly healthy population. It had not been previously curated by ICSL or reported in the Human Gene Mutation Database (HGMD: prior to June 1st, 2018), and was therefore a candidate for classification through an automated scoring system. Utilizing variant allele frequency, disease prevalence and penetrance estimates, and inheritance mode, an automated score was calculated to assess if this variant is too frequent to cause the disease. Based on the score and internal cut-off values, a variant classified as benign is not then subjected to further curation. The score for this variant resulted in a classification of benign for this disease.

NM_001385875.1(ZFYVE27):c.551+14C>T

Gene: ZFYVE27 (zinc finger FYVE-type containing 27; plus strand). Cytogenetic location: 10q24.2.
Variant type: single nucleotide variant.
Coding change: c.551+14C>T on transcript NM_001385875.1 (MANE Select); 14 bases into the intron after coding-DNA position 551, C replaced by T.
Molecular consequence: intron variant.
Genome position (GRCh38, 1-based): chr10:97,748,378, C>T. VCF-style: chr10-97748378-C-T. GRCh37 (hg19) VCF-style: chr10-99508135-C-T.
Other names: c.590+14C>T (NM_001385876.1); c.551+14C>T (NM_001385871.1, NM_001385879.1, NM_144588.7 and 8 more transcripts); c.314+14C>T (NM_001385903.1, NM_001385899.1, NM_001385904.1 and 2 more transcripts); c.293+14C>T (NM_001385902.1, NM_001385908.1, NM_001385901.1 and 3 more transcripts); c.347+14C>T (NM_001385890.1, NM_001385895.1, NM_001385897.1 and 6 more transcripts); c.455+14C>T (NM_001385888.1, NM_001385885.1, NM_001385887.1 and 1 more transcripts); c.257+14C>T (NM_001385915.1, NM_001174121.2); c.456-1096C>T (NM_001385886.1, NM_001385889.1); and 4 more.
Identifiers: ClinVar variation 880085 (VCV000880085.4), dbSNP rs554334501, ClinGen allele CA5635201.